The following is an entry in ClinVar:

NM_052947.4(ALPK2):c.5942A>C (p.Glu1981Ala)

Gene: ALPK2 (alpha kinase 2; minus strand). Cytogenetic location: 18q21.31.
Variant type: single nucleotide variant.
Coding change: c.5942A>C on transcript NM_052947.4 (MANE Select); coding-DNA position 5942, A replaced by C.
Protein change: p.Glu1981Ala; replaces glutamic acid 1981 with alanine.
Molecular consequence: missense variant.
Genome position (GRCh38, 1-based): chr18:58,515,080, T>G on the plus strand (A>C on the coding strand, the complement: ALPK2 is on the minus strand). VCF-style: chr18-58515080-T-G. GRCh37 (hg19) VCF-style: chr18-56182312-T-G.
Other names: short protein forms E1981A.
Identifiers: ClinVar variation 1750628 (VCV001750628.3), dbSNP rs144276398, ClinGen allele CA402546595.

ClinVar aggregate classification (germline): Uncertain significance (1 of 4 stars; one submission).

Allele frequency attached by ClinVar (database versions not stated): gnomAD exomes below 0.00001.
gnomAD v4.1: 3 of 1,609,776 alleles (0.00019%); highest among the groups gnomAD compares: South Asian, 0.0011%; no homozygotes.

Submission:

Ambry Genetics
Classification: Uncertain significance. Last evaluated: 2024-07-16. Review status: criteria provided, single submitter. Criteria: Ambry Variant Classification Scheme 2023. Collection method: clinical testing. Allele origin: germline.
Comment: The p.E1981A variant (also known as c.5942A>C), located in coding exon 9 of the ALPK2 gene, results from an A to C substitution at nucleotide position 5942. The glutamic acid at codon 1981 is replaced by alanine, an amino acid with dissimilar properties. This amino acid position is conserved. In addition, this alteration is predicted to be tolerated by in silico analysis. Since supporting evidence is limited at this time, the clinical significance of this alteration remains unclear.